The following is an entry in ClinVar:

ClinVar aggregate classification (oncogenicity): Oncogenic (0 of 4 stars; one submission).

Conditions:
Acute myeloid leukemia (AML). Also called: Acute myeloid leukemia, adult; AML adult; Acute non-lymphocytic leukemia; Acute granulocytic leukemia; Leukemia, acute myeloid, somatic; Leukemia, acute myelogenous, somatic. Identifiers: Orphanet 519, MedGen C0023467, MeSH D015470, MONDO:0018874, OMIM 601626, HP:0004808. Disease mechanism: Constitutively activated FLT3.

Submission:

Department of Pathology, Institute of Nuclear Medicine and Oncology
Classification: Oncogenic for Acute myeloid leukemia. Last evaluated: 2025-02-20. Review status: no assertion criteria provided. Collection method: research. Allele origin: somatic. Affected: yes.
Comment: Gene: NRAS, Transcript: NM_002524.5, cDNA Change: c.176G>C, Protein Change: p.A59G, Mutation Type: Missense mutation in exon 3, within the GTPase domain. Evidence: Recurrent somatic mutation in AML and other myeloid neoplasms - Known activating mutation causing constitutive RAS/MAPK pathway signaling. Reported extensively in databases such as COSMIC and ClinVar. Functional studies confirm oncogenic gain-of-function effect. Genomic Location (GRCh38): chr1:114713914G>C, NRAS c.176G>C (p.A59G) is a oncogenic, somatic mutation commonly seen in AML. It leads to constitutive activation of the RAS signaling pathway, contributing to leukemogenesis. While no approved NRAS-targeted therapies currently exist, this mutation may influence prognosis and inform eligibility for clinical trials targeting downstream pathways. Co-mutation analysis is recommended for comprehensive risk stratification. It is previously reported in AML having variant ID rs758182152. In summary, NRAS p.A59G variant meets our criteria to be classified as somatic, oncogenic and having poor prognostic outcomes resulting in acute myeloid leukemia.

NM_002524.5(NRAS):c.176C>G (p.Ala59Gly)

Gene: NRAS (NRAS proto-oncogene, GTPase; minus strand). Cytogenetic location: 1p13.2.
Variant type: single nucleotide variant.
Coding change: c.176C>G on transcript NM_002524.5 (MANE Select); coding-DNA position 176, C replaced by G.
Protein change: p.Ala59Gly; replaces alanine 59 with glycine.
Molecular consequence: missense variant.
Genome position (GRCh38, 1-based): chr1:114,713,914, G>C on the plus strand (C>G on the coding strand, the complement: NRAS is on the minus strand). VCF-style: chr1-114713914-G-C. GRCh37 (hg19) VCF-style: chr1-115256535-G-C.
Other names: short protein forms A59G.
Identifiers: ClinVar variation 4073538 (VCV004073538.1).